The following is an entry in ClinVar:

ClinVar aggregate classification (germline): Uncertain significance. Review status: criteria provided, multiple submitters, no conflicts (2 of 4 stars). 2 submissions from 2 submitters: Uncertain significance (2). Last evaluated 2026-04-01.

Conditions:
Inborn genetic diseases. Identifiers: MedGen C0950123, MeSH D030342.
Acyl-CoA oxidase deficiency. Also called: STRAIGHT-CHAIN ACYL-CoA OXIDASE DEFICIENCY; Pseudoneonatal adrenoleukodystrophy; Peroxisomal acyl-CoA oxidase deficiency. Identifiers: Orphanet 2971, MedGen C1849678, MONDO:0009919, OMIM 264470. Disease mechanism: loss of function.

gnomAD v4.1: 4 of 1,614,026 alleles (0.00025%); highest among the groups gnomAD compares: Admixed American, 0.0033%; no homozygotes.

Submissions (2):

Ambry Genetics
Classification: Uncertain significance for Inborn genetic diseases. Last evaluated: 2026-04-01. Review status: criteria provided, single submitter. Criteria: Ambry Variant Classification Scheme 2023. Collection method: clinical testing. Allele origin: germline.

Labcorp Genetics (formerly Invitae), Labcorp
Classification: Uncertain significance for Acyl-CoA oxidase deficiency. Last evaluated: 2025-05-22. Review status: criteria provided, single submitter. Criteria: Invitae Variant Classification Sherloc (09022015). Collection method: clinical testing. Allele origin: germline.
Comment: This sequence change replaces tyrosine, which is neutral and polar, with cysteine, which is neutral and slightly polar, at codon 401 of the ACOX1 protein (p.Tyr401Cys). This variant is not present in population databases (gnomAD no frequency). This variant has not been reported in the literature in individuals affected with ACOX1-related conditions. ClinVar contains an entry for this variant (Variation ID: 3700940). Invitae Evidence Modeling of protein sequence and biophysical properties (such as structural, functional, and spatial information, amino acid conservation, physicochemical variation, residue mobility, and thermodynamic stability) indicates that this missense variant is expected to disrupt ACOX1 protein function with a positive predictive value of 80%. In summary, the available evidence is currently insufficient to determine the role of this variant in disease. Therefore, it has been classified as a Variant of Uncertain Significance.

NM_004035.7(ACOX1):c.1202A>G (p.Tyr401Cys)

Gene: ACOX1 (acyl-CoA oxidase 1; minus strand). Cytogenetic location: 17q25.1.
Variant type: single nucleotide variant.
Coding change: c.1202A>G on transcript NM_004035.7 (MANE Select); coding-DNA position 1202, A replaced by G.
Protein change: p.Tyr401Cys; replaces tyrosine 401 with cysteine.
Molecular consequence: missense variant.
Genome position (GRCh38, 1-based): chr17:75,950,870, T>C on the plus strand (A>G on the coding strand, the complement: ACOX1 is on the minus strand). VCF-style: chr17-75950870-T-C. GRCh37 (hg19) VCF-style: chr17-73946951-T-C.
Other names: c.1088A>G, p.Tyr363Cys (NM_001185039.2); c.1202A>G, p.Tyr401Cys (NM_007292.6); c.1202A>G (NM_004035.6); short protein forms Y401C, Y363C.
Identifiers: ClinVar variation 3700940 (VCV003700940.3).